The following is an entry in ClinVar:

ClinVar aggregate classification (germline): Conflicting classifications of pathogenicity. Review status: criteria provided, conflicting classifications (1 of 4 stars). 3 submissions from 3 submitters: Uncertain significance (2); Likely benign (1). Last evaluated 2023-03-23.

Conditions:
Hereditary cancer-predisposing syndrome. Also called: Hereditary neoplastic syndrome; Tumor predisposition; Hereditary Cancer Syndrome; Neoplastic Syndromes, Hereditary. Identifiers: Orphanet 140162, MedGen C0027672, MeSH D009386, MONDO:0015356.
Hereditary breast ovarian cancer syndrome. Also called: Hereditary breast and/or ovarian cancer syndrome; BRCA1- and BRCA2-Associated Hereditary Breast and Ovarian Cancer; Breast and ovarian cancer; Hereditary breast and ovarian cancer; Hereditary breast and ovarian cancer syndrome; Hereditary breast and ovarian cancer syndrome (HBOC). Identifiers: Orphanet 145, MedGen C0677776, MeSH D061325, MONDO:0003582. Disease mechanism: loss of function.

Allele frequency attached by ClinVar (database versions not stated): gnomAD exomes below 0.00001.
gnomAD v4.1: 1 of 1,587,948 alleles (0.000063%); highest among the groups gnomAD compares: South Asian, 0.0012%; no homozygotes.

Submissions (3):

University of Washington Department of Laboratory Medicine, University of Washington
Classification: Likely benign for Hereditary cancer-predisposing syndrome. Last evaluated: 2023-03-23. Review status: criteria provided, single submitter. Criteria: Dines et al. (Genet Med. 2020). Collection method: curation. Allele origin: germline.
Comment: Missense variant in a coldspot region where missense variants are very unlikely to be pathogenic (PMID:31911673).

BRCA2 exon 11 coldspot. Reclassification based on statistical prior probability.

Labcorp Genetics (formerly Invitae), Labcorp
Classification: Uncertain significance for Hereditary breast ovarian cancer syndrome. Last evaluated: 2022-08-05. Review status: criteria provided, single submitter. Criteria: Invitae Variant Classification Sherloc (09022015). Collection method: clinical testing. Allele origin: germline.
Comment: In summary, the available evidence is currently insufficient to determine the role of this variant in disease. Therefore, it has been classified as a Variant of Uncertain Significance. Advanced modeling of protein sequence and biophysical properties (such as structural, functional, and spatial information, amino acid conservation, physicochemical variation, residue mobility, and thermodynamic stability) performed at Invitae indicates that this missense variant is not expected to disrupt BRCA2 protein function. ClinVar contains an entry for this variant (Variation ID: 495485). This variant has not been reported in the literature in individuals affected with BRCA2-related conditions. This variant is not present in population databases (gnomAD no frequency). This sequence change replaces serine, which is neutral and polar, with threonine, which is neutral and polar, at codon 2152 of the BRCA2 protein (p.Ser2152Thr).

Women's Health and Genetics/Laboratory Corporation of America, LabCorp
Classification: Uncertain significance. Last evaluated: 2017-06-12. Review status: criteria provided, single submitter. Criteria: LabCorp Variant Classification Summary - May 2015. Collection method: clinical testing. Allele origin: germline.
Comment: Variant summary: The BRCA2 c.6454T>A (p.Ser2152Thr) variant involves the alteration of a non-conserved nucleotide. 4/4 in silico tools predict a benign outcome for this variant (SNPsandGO not captured due to low reliability index). This variant is absent in 118312 control chromosomes. The variant of interest has not, to our knowledge, been reported in affected individuals via publications and/or reputable databases/clinical diagnostic laboratories; nor evaluated for functional impact by in vivo/vitro studies. Because of the absence of clinical information and the lack of functional studies, the variant is classified as a variant of uncertain significance (VUS) until additional information becomes available.

NM_000059.4(BRCA2):c.6454T>A (p.Ser2152Thr)

Gene: BRCA2 (BRCA2 DNA repair associated; plus strand). Cytogenetic location: 13q13.1.
Variant type: single nucleotide variant.
Coding change: c.6454T>A on transcript NM_000059.4 (MANE Select); coding-DNA position 6454, T replaced by A.
Protein change: p.Ser2152Thr; replaces serine 2152 with threonine.
Molecular consequence: missense variant.
Genome position (GRCh38, 1-based): chr13:32,340,809, T>A. VCF-style: chr13-32340809-T-A. GRCh37 (hg19) VCF-style: chr13-32914946-T-A.
Other names: short protein forms S2152T.
Identifiers: ClinVar variation 495485 (VCV000495485.8), dbSNP rs1555284705, ClinGen allele CA387789336.